The following is an entry in ClinVar:

NC_000004.11:g.(?_159593609)_(159616815_?)dup

Gene: ETFDH (electron transfer flavoprotein dehydrogenase; plus strand). Cytogenetic location: 4q32.1.
Variant type: Duplication.
Identifiers: ClinVar variation 1442649 (VCV001442649.5).

ClinVar aggregate classification (germline): Uncertain significance (1 of 4 stars; one submission).

Conditions:
Multiple acyl-CoA dehydrogenase deficiency (MADD). Also called: ETHYLMALONIC-ADIPICACIDURIA; GA II; Glutaric acidemia type II; GA 2; Glutaric Acidemia type 2; Glutaric aciduria, type 2. Identifiers: Orphanet 26791, MedGen C0268596, MONDO:0009282, OMIM 231680.

Submission:

Labcorp Genetics (formerly Invitae), Labcorp
Classification: Uncertain significance for Multiple acyl-CoA dehydrogenase deficiency. Last evaluated: 2022-09-12. Review status: criteria provided, single submitter. Criteria: Invitae Variant Classification Sherloc (09022015). Collection method: clinical testing. Allele origin: germline.
Comment: This variant results in a copy number gain of the genomic region encompassing exon(s) 1-7 of the ETFDH gene. This region includes the initiator codon of the gene. This copy number gain extends beyond the assayed region for this gene and therefore may encompass additional genes. As the precise location of this event is unknown, it may be in tandem or it may be located elsewhere in the genome. This variant has not been reported in the literature in individuals affected with ETFDH-related conditions. Experimental studies and prediction algorithms are not available or were not evaluated, and the functional significance of this variant is currently unknown. In summary, the available evidence is currently insufficient to determine the role of this variant in disease. Therefore, it has been classified as a Variant of Uncertain Significance.